The following is an entry in ClinVar:

NM_006623.4(PHGDH):c.1352C>G (p.Ala451Gly)

Gene: PHGDH (phosphoglycerate dehydrogenase; plus strand). Cytogenetic location: 1p12.
Variant type: single nucleotide variant.
Coding change: c.1352C>G on transcript NM_006623.4 (MANE Select); coding-DNA position 1352, C replaced by G.
Protein change: p.Ala451Gly; replaces alanine 451 with glycine.
Molecular consequence: missense variant.
Genome position (GRCh38, 1-based): chr1:119,742,949, C>G. VCF-style: chr1-119742949-C-G. GRCh37 (hg19) VCF-style: chr1-120285572-C-G.
Other names: c.1352C>G (NM_006623.3); short protein forms A451G.
Identifiers: ClinVar variation 2084033 (VCV002084033.2), dbSNP rs1283054540, ClinGen allele CA341853769.

ClinVar aggregate classification (germline): Uncertain significance. Review status: criteria provided, multiple submitters, no conflicts (2 of 4 stars). 2 submissions from 2 submitters: Uncertain significance (2). Last evaluated 2025-11-07.

Conditions:
Inborn genetic diseases. Identifiers: MedGen C0950123, MeSH D030342.
PHGDH deficiency. Identifiers: Orphanet 79351, MedGen C1866174, MONDO:0011152, OMIM 601815.

Allele frequency attached by ClinVar (database versions not stated): gnomAD exomes below 0.00001; gnomAD 0.00001; TOPMed 0.00001.
gnomAD v4.1: 3 of 1,613,966 alleles (0.00019%); highest among the groups gnomAD compares: African/African-American, 0.004%; no homozygotes.

Submissions (2):

Ambry Genetics
Classification: Uncertain significance for Inborn genetic diseases. Last evaluated: 2025-11-07. Review status: criteria provided, single submitter. Criteria: Ambry Variant Classification Scheme 2023. Collection method: clinical testing. Allele origin: germline.

Labcorp Genetics (formerly Invitae), Labcorp
Classification: Uncertain significance for PHGDH deficiency. Last evaluated: 2022-08-19. Review status: criteria provided, single submitter. Criteria: Invitae Variant Classification Sherloc (09022015). Collection method: clinical testing. Allele origin: germline.
Comment: This sequence change replaces alanine, which is neutral and non-polar, with glycine, which is neutral and non-polar, at codon 451 of the PHGDH protein (p.Ala451Gly). This variant is present in population databases (no rsID available, gnomAD 0.007%). This variant has not been reported in the literature in individuals affected with PHGDH-related conditions. Algorithms developed to predict the effect of missense changes on protein structure and function (SIFT, PolyPhen-2, Align-GVGD) all suggest that this variant is likely to be tolerated. Algorithms developed to predict the effect of sequence changes on RNA splicing suggest that this variant may create or strengthen a splice site. In summary, the available evidence is currently insufficient to determine the role of this variant in disease. Therefore, it has been classified as a Variant of Uncertain Significance.